The following is an entry in ClinVar:

ClinVar aggregate classification (germline): Uncertain significance (1 of 4 stars; one submission).

Conditions:
Nephronophthisis. Also called: Juvenile Nephronophthisis. Identifiers: Orphanet 655, MedGen C0687120, MONDO:0019005, HP:0000090.

Allele frequency attached by ClinVar (database versions not stated): gnomAD exomes below 0.00001; gnomAD 0.00001; TOPMed 0.00001.
gnomAD v4.1: 2 of 1,613,730 alleles (0.00012%); highest among the groups gnomAD compares: African/African-American, 0.0027%; no homozygotes.

Submission:

Labcorp Genetics (formerly Invitae), Labcorp
Classification: Uncertain significance for Nephronophthisis. Last evaluated: 2022-06-13. Review status: criteria provided, single submitter. Criteria: Invitae Variant Classification Sherloc (09022015). Collection method: clinical testing. Allele origin: germline.
Comment: In summary, the available evidence is currently insufficient to determine the role of this variant in disease. Therefore, it has been classified as a Variant of Uncertain Significance. Algorithms developed to predict the effect of missense changes on protein structure and function are either unavailable or do not agree on the potential impact of this missense change (SIFT: "Deleterious"; PolyPhen-2: "Benign"; Align-GVGD: "Class C15"). This variant has not been reported in the literature in individuals affected with INVS-related conditions. This variant is present in population databases (no rsID available, gnomAD 0.008%). This sequence change replaces phenylalanine, which is neutral and non-polar, with leucine, which is neutral and non-polar, at codon 326 of the INVS protein (p.Phe326Leu).

NM_014425.5(INVS):c.978T>G (p.Phe326Leu)

Gene: INVS (inversin; plus strand). Cytogenetic location: 9q31.1.
Variant type: single nucleotide variant.
Coding change: c.978T>G on transcript NM_014425.5 (MANE Select); coding-DNA position 978, T replaced by G.
Protein change: p.Phe326Leu; replaces phenylalanine 326 with leucine.
Molecular consequence: missense variant. On other transcripts: 5 prime UTR variant (1), non-coding transcript variant (1).
Genome position (GRCh38, 1-based): chr9:100,246,687, T>G. VCF-style: chr9-100246687-T-G. GRCh37 (hg19) VCF-style: chr9-103008969-T-G.
Other names: c.690T>G, p.Phe230Leu (NM_001318381.2); c.-1T>G (NM_001318382.2); short protein forms F230L, F326L.
Identifiers: ClinVar variation 1474982 (VCV001474982.6), dbSNP rs1457973181, ClinGen allele CA374363720.